The following is an entry in ClinVar:

ClinVar aggregate classification (germline): Benign. Review status: criteria provided, multiple submitters, no conflicts (2 of 4 stars). 2 submissions from 2 submitters: Benign (2). Last evaluated 2026-10-01.

Allele frequency attached by ClinVar (database versions not stated): ESP Exome Variant Server 0.01322; gnomAD 0.01429 and 0.01477; TOPMed 0.01474; 1000 Genomes Project 30x 0.01562; 1000 Genomes Project 0.01577; gnomAD exomes 0.01967; ExAC 0.02045.
gnomAD v4.1: 30,309 of 1,614,128 alleles (1.9%); highest among the groups gnomAD compares: Middle Eastern, 5%; 356 homozygotes.

Submissions (2):

CeGaT Center for Human Genetics Tuebingen
Classification: Benign. Last evaluated: 2026-10-01. Review status: criteria provided, single submitter. Criteria: CeGaT Center For Human Genetics Tuebingen Variant Classification Criteria Version 2. Collection method: clinical testing. Allele origin: germline. Affected: yes. Observed: 40 variant alleles.
Comment: HIVEP2: BP4, BS1, BS2

Labcorp Genetics (formerly Invitae), Labcorp
Classification: Benign. Last evaluated: 2026-02-03. Review status: criteria provided, single submitter. Criteria: Invitae Variant Classification Sherloc (09022015). Collection method: clinical testing. Allele origin: germline.

NM_006734.4(HIVEP2):c.3122C>T (p.Ala1041Val)

Gene: HIVEP2 (HIVEP zinc finger 2; minus strand). Cytogenetic location: 6q24.2.
Variant type: single nucleotide variant.
Coding change: c.3122C>T on transcript NM_006734.4 (MANE Select); coding-DNA position 3122, C replaced by T.
Protein change: p.Ala1041Val; replaces alanine 1041 with valine.
Molecular consequence: missense variant.
Genome position (GRCh38, 1-based): chr6:142,771,617, G>A on the plus strand (C>T on the coding strand, the complement: HIVEP2 is on the minus strand). VCF-style: chr6-142771617-G-A. GRCh37 (hg19) VCF-style: chr6-143092754-G-A.
Other names: short protein forms A1041V.
Identifiers: ClinVar variation 1586037 (VCV001586037.15), dbSNP rs34875559, ClinGen allele CA4028314.